The following is an entry in ClinVar:

NM_002230.4(JUP):c.450_451delinsCA (p.Leu151Ile)

Gene: JUP (junction plakoglobin; minus strand). Cytogenetic location: 17q21.2.
Variant type: Indel.
Coding change: c.450_451delinsCA on transcript NM_002230.4 (MANE Select); coding-DNA positions 450 to 451, GC replaced by CA.
Protein change: p.Leu151Ile; replaces leucine 151 with isoleucine.
Molecular consequence: missense variant.
Genome position (GRCh38, 1-based): chr17:41,769,435-41,769,436, GC replaced by TG on the plus strand (GC replaced by CA on the coding strand, the reverse complement: JUP is on the minus strand). VCF-style: chr17-41769435-GC-TG. GRCh37 (hg19) VCF-style: chr17-39925687-GC-TG.
Other names: c.450_451delinsCA, p.Leu151Ile (NM_001352773.2, NM_001352774.2, NM_001352775.2 and 3 more transcripts); short protein forms L151I.
Identifiers: ClinVar variation 1467328 (VCV001467328.6), dbSNP rs2143691917, ClinGen allele CA2573153776.

ClinVar aggregate classification (germline): Uncertain significance (1 of 4 stars; one submission).

Conditions:
Arrhythmogenic right ventricular dysplasia 12. Also called: ARRHYTHMOGENIC RIGHT VENTRICULAR DYSPLASIA, FAMILIAL, 12. Identifiers: MedGen C1969081, MONDO:0012684, OMIM 611528.
Naxos disease (NXD). Also called: CARDIOMYOPATHY, ARRHYTHMOGENIC RIGHT VENTRICULAR, WITH SKIN, HAIR, AND NAIL ABNORMALITIES; WOOLLY HAIR, PALMOPLANTAR KERATODERMA, AND CARDIAC ABNORMALITIES; KERATOSIS PALMOPLANTARIS WITH ARRHYTHMOGENIC CARDIOMYOPATHY; MAL DE NAXOS; PALMOPLANTAR KERATODERMA WITH ARRHYTHMOGENIC RIGHT VENTRICULAR CARDIOMYOPATHY AND WOOLLY HAIR. Identifiers: Orphanet 34217, MedGen C1832600, MONDO:0011017, OMIM 601214.

Submission:

Labcorp Genetics (formerly Invitae), Labcorp
Classification: Uncertain significance for Arrhythmogenic right ventricular dysplasia 12; Naxos disease. Last evaluated: 2020-11-27. Review status: criteria provided, single submitter. Criteria: Invitae Variant Classification Sherloc (09022015). Collection method: clinical testing. Allele origin: germline.
Comment: In summary, the available evidence is currently insufficient to determine the role of this variant in disease. Therefore, it has been classified as a Variant of Uncertain Significance. Experimental studies and prediction algorithms are not available or were not evaluated, and the functional significance of this variant is currently unknown. This variant has not been reported in the literature in individuals with JUP-related conditions. The frequency data for this variant in the population databases is not available, as this variant may be reported as separate entries in the ExAC database. This sequence change replaces leucine with isoleucine at codon 151 of the JUP protein (p.Leu151Ile). The leucine residue is highly conserved and there is a small physicochemical difference between leucine and isoleucine.